The following is an entry in ClinVar:

ClinVar aggregate classification (germline): Likely benign. Review status: criteria provided, multiple submitters, no conflicts (2 of 4 stars). 2 submissions from 2 submitters: Likely benign (2). Last evaluated 2018-06-14.

Allele frequency attached by ClinVar (database versions not stated): 1000 Genomes Project 0.00499; 1000 Genomes Project 30x 0.00515; gnomAD 0.00577 and 0.00626; TOPMed 0.00672.
gnomAD v4.1: 1,582 of 1,204,712 alleles (0.13%); highest among the groups gnomAD compares: African/African-American, 1.9%; 20 homozygotes.

Submissions (2):

GeneDx
Classification: Likely benign. Last evaluated: 2018-06-14. Review status: criteria provided, single submitter. Criteria: GeneDx Variant Classification (06012015). Collection method: clinical testing. Allele origin: germline. Affected: yes.
Comment: This variant is considered likely benign or benign based on one or more of the following criteria: it is a conservative change, it occurs at a poorly conserved position in the protein, it is predicted to be benign by multiple in silico algorithms, and/or has population frequency not consistent with disease.

Breakthrough Genomics
Classification: Likely benign. Review status: criteria provided, single submitter. Criteria: ACMG Guidelines, 2015. Collection method: not provided. Allele origin: germline. Inheritance: Autosomal recessive inheritance. Affected: yes.

NM_001267550.2(TTN):c.30539-95A>C

Gene: TTN (titin; minus strand). Cytogenetic location: 2q31.2.
Variant type: single nucleotide variant.
Coding change: c.30539-95A>C on transcript NM_001267550.2 (MANE Select); 95 bases into the intron before coding-DNA position 30539, A replaced by C.
Molecular consequence: intron variant.
Genome position (GRCh38, 1-based): chr2:178,701,682, T>G on the plus strand (A>C on the coding strand, the complement: TTN is on the minus strand). VCF-style: chr2-178701682-T-G. GRCh37 (hg19) VCF-style: chr2-179566409-T-G.
Other names: c.13282+36400A>C (NM_003319.4); c.13858+36400A>C (NM_133437.4); c.13657+36400A>C (NM_133432.3); c.26807-95A>C (NM_133378.4); c.29588-95A>C (NM_001256850.1).
Identifiers: ClinVar variation 673649 (VCV000673649.2), dbSNP rs77679712, ClinGen allele CA60995970.